The following is an entry in ClinVar:

NM_001166114.2(PNPLA6):c.2133G>A (p.Leu711=)

Gene: PNPLA6 (patatin like domain 6, lysophospholipase; plus strand). Cytogenetic location: 19p13.2.
Variant type: single nucleotide variant.
Coding change: c.2133G>A on transcript NM_001166114.2 (MANE Select); coding-DNA position 2133, G replaced by A.
Protein change: p.Leu711=; no amino-acid change (leucine 711 retained).
Molecular consequence: synonymous variant.
Genome position (GRCh38, 1-based): chr19:7,551,056, G>A. VCF-style: chr19-7551056-G-A. GRCh37 (hg19) VCF-style: chr19-7615942-G-A.
Other names: p.Leu672=; c.2160G>A, p.Leu720= (NM_001166111.2); c.1938G>A, p.Leu646= (NM_001166112.2); c.2016G>A, p.Leu672= (NM_001166113.1, NM_006702.5).
Identifiers: ClinVar variation 284221 (VCV000284221.28), dbSNP rs113335442, ClinGen allele CA9140010.

ClinVar aggregate classification (germline): Benign/Likely benign. Review status: criteria provided, multiple submitters, no conflicts (2 of 4 stars). 10 submissions from 10 submitters: Benign (5); Likely benign (3). 2 of the submissions do not count toward it. Last evaluated 2026-01-14.

Conditions:
Hereditary spastic paraplegia. Also called: Familial spastic paraparesis. Identifiers: Orphanet 685, MedGen C0037773, MONDO:0019064. Disease mechanism: loss of function.
Hereditary spastic paraplegia 39 (SPG39). Also called: SPASTIC PARAPLEGIA 39, AUTOSOMAL RECESSIVE; Spastic Paraplegia Type 39 (SPG39). Identifiers: Orphanet 139480, MedGen C2677586, MONDO:0012787, OMIM 612020.

Allele frequency attached by ClinVar (database versions not stated): gnomAD exomes 0.00064 and 0.00143; ExAC 0.00291; gnomAD 0.00696 and 0.00745; TOPMed 0.00781; ESP Exome Variant Server 0.00856; 1000 Genomes Project 0.00919; 1000 Genomes Project 30x 0.00921.
gnomAD v4.1: 1,990 of 1,550,004 alleles (0.13%); highest among the groups gnomAD compares: African/African-American, 2.5%; 24 homozygotes.

Submissions (10):

Labcorp Genetics (formerly Invitae), Labcorp
Classification: Benign for Hereditary spastic paraplegia 39. Last evaluated: 2026-01-14. Review status: criteria provided, single submitter. Criteria: Invitae Variant Classification Sherloc (09022015). Collection method: clinical testing. Allele origin: germline.

Mayo Clinic Laboratories, Mayo Clinic
Classification: Benign. Last evaluated: 2024-02-27. Review status: criteria provided, single submitter. Criteria: ACMG Guidelines, 2015. Collection method: clinical testing. Allele origin: germline. Observed: 4 variant alleles.
Comment: BA1, BS2, BP4, BP7

Genome Diagnostics Laboratory, The Hospital for Sick Children
Classification: Likely benign for Hereditary spastic paraplegia. Last evaluated: 2021-05-14. Review status: criteria provided, single submitter. Criteria: ACMG Guidelines, 2015. Collection method: clinical testing. Allele origin: germline. Affected: yes.

GeneDx
Classification: Benign. Last evaluated: 2019-06-13. Review status: criteria provided, single submitter. Criteria: GeneDx Variant Classification Process June 2021. Collection method: clinical testing. Allele origin: germline. Affected: yes.

Illumina Laboratory Services, Illumina
Classification: Likely benign for Hereditary spastic paraplegia 39. Last evaluated: 2018-01-13. Review status: criteria provided, single submitter. Criteria: ICSL Variant Classification Criteria 13 December 2019. Collection method: clinical testing. Allele origin: germline.
Comment: This variant was observed in the ICSL laboratory as part of a predisposition screen in an ostensibly healthy population. It had not been previously curated by ICSL or reported in the Human Gene Mutation Database (HGMD: prior to June 1st, 2018), and was therefore a candidate for classification through an automated scoring system. Utilizing variant allele frequency, disease prevalence and penetrance estimates, and inheritance mode, an automated score was calculated to assess if this variant is too frequent to cause the disease. Based on the score and internal cut-off values, a variant classified as likely benign is not then subjected to further curation. The score for this variant resulted in a classification of likely benign for this disease.

Athena Diagnostics
Classification: Benign. Last evaluated: 2017-06-28. Review status: criteria provided, single submitter. Criteria: Athena Diagnostics Criteria. Collection method: clinical testing. Allele origin: germline.

Eurofins Ntd Llc (ga)
Classification: Benign. Last evaluated: 2015-11-18. Review status: criteria provided, single submitter. Criteria: EGL Classification Definitions 2015. Collection method: clinical testing. Allele origin: germline. Observed: 1 variant allele, 1 heterozygote.

Breakthrough Genomics
Classification: Likely benign. Review status: criteria provided, single submitter. Criteria: ACMG Guidelines, 2015. Collection method: not provided. Allele origin: germline. Inheritance: Autosomal recessive inheritance. Affected: yes.

Clinical Genetics DNA and cytogenetics Diagnostics Lab, Erasmus MC, Erasmus Medical Center
Classification: Benign. Review status: no assertion criteria provided. Collection method: clinical testing. Allele origin: germline. Affected: yes. Study: VKGL Data-share Consensus. Not counted in ClinVar's aggregate classification.

Clinical Genetics, Academic Medical Center
Classification: Benign. Review status: no assertion criteria provided. Collection method: clinical testing. Allele origin: germline. Affected: yes. Study: VKGL Data-share Consensus. Not counted in ClinVar's aggregate classification.